The following is an entry in ClinVar:

ClinVar aggregate classification (germline): Uncertain significance (1 of 4 stars; one submission).

Conditions:
Muscular dystrophy-dystroglycanopathy (congenital with brain and eye anomalies), type A2. Also called: WALKER-WARBURG SYNDROME OR MUSCLE-EYE-BRAIN DISEASE, POMT2-RELATED; MUSCULAR DYSTROPHY-DYSTROGLYCANOPATHY (CONGENITAL WITH BRAIN AND EYE ANOMALIES), TYPE A, 2. Identifiers: Orphanet 588, Orphanet 899, MedGen C3150411, MONDO:0013154, OMIM 613150.
Muscular dystrophy-dystroglycanopathy (congenital with impaired intellectual development), type B, 2. Also called: Muscular dystrophy-dystroglycanopathy (congenital with intellectual disability), type B2; MUSCULAR DYSTROPHY, CONGENITAL, POMT2-RELATED. Identifiers: MedGen C3150416, MONDO:0013160, OMIM 613156.
Autosomal recessive limb-girdle muscular dystrophy type 2N. Also called: MUSCULAR DYSTROPHY-DYSTROGLYCANOPATHY, LIMB-GIRDLE, POMT2-RELATED; Muscular dystrophy-dystroglycanopathy (limb-girdle), type C, 2. Identifiers: Orphanet 206559, MedGen C3150418, MONDO:0013162, OMIM 613158.

Submission:

Labcorp Genetics (formerly Invitae), Labcorp
Classification: Uncertain significance for Muscular dystrophy-dystroglycanopathy (congenital with impaired intellectual development), type B, 2; Muscular dystrophy-dystroglycanopathy (congenital with brain and eye anomalies), type A2; Autosomal recessive limb-girdle muscular dystrophy type 2N. Last evaluated: 2022-10-04. Review status: criteria provided, single submitter. Criteria: Invitae Variant Classification Sherloc (09022015). Collection method: clinical testing. Allele origin: germline.
Comment: Advanced modeling of protein sequence and biophysical properties (such as structural, functional, and spatial information, amino acid conservation, physicochemical variation, residue mobility, and thermodynamic stability) performed at Invitae indicates that this missense variant is not expected to disrupt POMT2 protein function. In summary, the available evidence is currently insufficient to determine the role of this variant in disease. Therefore, it has been classified as a Variant of Uncertain Significance. ClinVar contains an entry for this variant (Variation ID: 663397). This variant has not been reported in the literature in individuals affected with POMT2-related conditions. This variant is not present in population databases (gnomAD no frequency). This sequence change replaces leucine, which is neutral and non-polar, with phenylalanine, which is neutral and non-polar, at codon 116 of the POMT2 protein (p.Leu116Phe).

NM_013382.7(POMT2):c.346C>T (p.Leu116Phe)

Gene: POMT2 (protein O-mannosyltransferase 2; minus strand). Cytogenetic location: 14q24.3.
Variant type: single nucleotide variant.
Coding change: c.346C>T on transcript NM_013382.7 (MANE Select); coding-DNA position 346, C replaced by T.
Protein change: p.Leu116Phe; replaces leucine 116 with phenylalanine.
Molecular consequence: missense variant.
Genome position (GRCh38, 1-based): chr14:77,306,429, G>A on the plus strand (C>T on the coding strand, the complement: POMT2 is on the minus strand). VCF-style: chr14-77306429-G-A. GRCh37 (hg19) VCF-style: chr14-77772772-G-A.
Other names: short protein forms L116F.
Identifiers: ClinVar variation 663397 (VCV000663397.11), dbSNP rs1594800231, ClinGen allele CA390521118.